The following is an entry in ClinVar:

ClinVar aggregate classification (germline): Uncertain significance (1 of 4 stars; one submission).

Submission:

ARUP Laboratories, Molecular Genetics and Genomics, ARUP Laboratories
Classification: Uncertain significance. Last evaluated: 2023-03-18. Review status: criteria provided, single submitter. Criteria: ARUP Molecular Germline Variant Investigation Process 2024. Collection method: clinical testing. Allele origin: germline.
Comment: The NOD2 c.461A>C; p.Asp154Ala variant, to our knowledge, is not reported in the medical literature or gene specific databases. This variant is also absent from the Genome Aggregation Database, indicating it is not a common polymorphism. Computational analyses predict that this variant is neutral (REVEL: 0.049). Due to limited information, the clinical significance of this variant is uncertain at this time.

NM_001370466.1(NOD2):c.380A>C (p.Asp127Ala)

Gene: NOD2 (nucleotide binding oligomerization domain containing 2; plus strand). Cytogenetic location: 16q12.1.
Variant type: single nucleotide variant.
Coding change: c.380A>C on transcript NM_001370466.1 (MANE Select); coding-DNA position 380, A replaced by C.
Protein change: p.Asp127Ala; replaces aspartic acid 127 with alanine.
Molecular consequence: missense variant. On other transcripts: non-coding transcript variant (1).
Genome position (GRCh38, 1-based): chr16:50,699,875, A>C. VCF-style: chr16-50699875-A-C. GRCh37 (hg19) VCF-style: chr16-50733786-A-C.
Other names: c.380A>C, p.Asp127Ala (NM_001293557.2); c.461A>C, p.Asp154Ala (NM_022162.3); short protein forms D127A, D154A.
Identifiers: ClinVar variation 2920887 (VCV002920887.1), dbSNP rs2509134450, ClinGen allele CA395866778.